The following is an entry in ClinVar:

ClinVar aggregate classification (germline): Pathogenic (0 of 4 stars; one submission).

Submission:

Leeds Amelogenesis Imperfecta Research Group, University of Leeds
Classification: Pathogenic. Last evaluated: 2023-01-04. Review status: no assertion criteria provided. Collection method: research. Allele origin: biparental. Inheritance: Autosomal recessive inheritance. Affected: yes. Observed: 1 homozygote. Segregation with disease observed.
Comment: Variant identified by exome sequencing of two cousins, PLXNB2 is highly expressed during amelogenesis. Variant is predicted to be damaging by all pathogenicity prediction software tested and residue affected is highly conserved, absent from gnomAD v1.6

NM_012401.4(PLXNB2):c.2413A>T (p.Ile805Phe)

Gene: PLXNB2 (plexin B2; minus strand). Cytogenetic location: 22q13.33.
Variant type: single nucleotide variant.
Coding change: c.2413A>T on transcript NM_012401.4 (MANE Select); coding-DNA position 2413, A replaced by T.
Protein change: p.Ile805Phe; replaces isoleucine 805 with phenylalanine.
Molecular consequence: missense variant.
Genome position (GRCh38, 1-based): chr22:50,283,841, T>A on the plus strand (A>T on the coding strand, the complement: PLXNB2 is on the minus strand). VCF-style: chr22-50283841-T-A. GRCh37 (hg19) VCF-style: chr22-50722270-T-A.
Other names: c.2413A>T, p.Ile805Phe (NM_001376864.1, NM_001376866.1, NM_001376867.1 and 18 more transcripts); c.2482A>T, p.Ile828Phe (NM_001376865.1); c.2320A>T, p.Ile774Phe (NM_001376886.1); short protein forms I774F, I805F, I828F.
Identifiers: ClinVar variation 1895421 (VCV001895421.1), dbSNP rs1212157084, ClinGen allele CA412166631.